The following is an entry in ClinVar:

ClinVar aggregate classification (germline): Uncertain significance (1 of 4 stars; one submission).

Conditions:
Arrhythmogenic cardiomyopathy with wooly hair and keratoderma. Also called: PALMOPLANTAR KERATODERMA WITH LEFT VENTRICULAR CARDIOMYOPATHY AND WOOLLY HAIR; Carvajal syndrome; Dilated cardiomyopathy with woolly hair and keratoderma; Arrhythmogenic cardiomyopathy with woolly hair and keratoderma. Identifiers: Orphanet 65282, MedGen C1854063, MONDO:0011581, OMIM 605676.

Allele frequency attached by ClinVar (database versions not stated): TOPMed below 0.00001.

Submission:

All of Us Research Program, National Institutes of Health
Classification: Uncertain significance for Arrhythmogenic cardiomyopathy with wooly hair and keratoderma. Last evaluated: 2023-07-10. Review status: criteria provided, single submitter. Criteria: ACMG Guidelines, 2015. Collection method: clinical testing. Allele origin: germline. Inheritance: Autosomal dominant inheritance. Observed: 1 variant allele, 1 heterozygote.
Comment: This missense variant replaces threonine with asparagine at codon 2515 of the DSP protein. Computational prediction suggests that this variant may not impact protein structure and function (internally defined REVEL score threshold <= 0.5, PMID: 27666373). To our knowledge, functional studies have not been reported for this variant. This variant has not been reported in individuals affected with DSP-related disorders in the literature. This variant has not been identified in the general population by the Genome Aggregation Database (gnomAD). The available evidence is insufficient to determine the role of this variant in disease conclusively. Therefore, this variant is classified as a Variant of Uncertain Significance.

This study involves interpretation of variants in research participants for the purpose of population health screening. Participant phenotype was not available at the time of variant classification. Additional details can be found in publication PMID: 35346344, PMCID: PMC8962531

NM_004415.4(DSP):c.7544C>A (p.Thr2515Asn)

Gene: DSP (desmoplakin; plus strand). Cytogenetic location: 6p24.3.
Variant type: single nucleotide variant.
Coding change: c.7544C>A on transcript NM_004415.4 (MANE Select); coding-DNA position 7544, C replaced by A.
Protein change: p.Thr2515Asn; replaces threonine 2515 with asparagine.
Molecular consequence: missense variant.
Genome position (GRCh38, 1-based): chr6:7,584,806, C>A. VCF-style: chr6-7584806-C-A. GRCh37 (hg19) VCF-style: chr6-7585039-C-A.
Other names: c.5747C>A, p.Thr1916Asn (NM_001008844.3); c.6215C>A, p.Thr2072Asn (NM_001319034.2); short protein forms T1916N, T2072N, T2515N.
Identifiers: ClinVar variation 3072423 (VCV003072423.1), dbSNP rs753142661, ClinGen allele CA133976082.